The following is an entry in ClinVar:

ClinVar aggregate classification (germline): Uncertain significance (1 of 4 stars; one submission).

Submission:

GeneDx
Classification: Uncertain significance. Last evaluated: 2025-06-16. Review status: criteria provided, single submitter. Criteria: GeneDx Variant Classification Process June 2021. Collection method: clinical testing. Allele origin: germline. Affected: yes.
Comment: Not observed at significant frequency in large population cohorts (gnomAD); In silico analysis supports that this missense variant has a deleterious effect on protein structure/function; Has not been previously published as pathogenic or benign to our knowledge

NM_017780.4(CHD7):c.689C>T (p.Ser230Leu)

Gene: CHD7 (chromodomain helicase DNA binding protein 7; plus strand). Cytogenetic location: 8q12.2.
Variant type: single nucleotide variant.
Coding change: c.689C>T on transcript NM_017780.4 (MANE Select); coding-DNA position 689, C replaced by T.
Protein change: p.Ser230Leu; replaces serine 230 with leucine.
Molecular consequence: missense variant.
Genome position (GRCh38, 1-based): chr8:60,742,121, C>T. VCF-style: chr8-60742121-C-T. GRCh37 (hg19) VCF-style: chr8-61654680-C-T.
Other names: c.689C>T, p.Ser230Leu (NM_001316690.1); short protein forms S230L.
Identifiers: ClinVar variation 4538671 (VCV004538671.1).